The following is an entry in ClinVar:

ClinVar aggregate classification (germline): Uncertain significance (1 of 4 stars; one submission).

Conditions:
Hereditary cancer-predisposing syndrome. Also called: Neoplastic Syndromes, Hereditary; Tumor predisposition; Hereditary Cancer Syndrome; Hereditary neoplastic syndrome. Identifiers: Orphanet 140162, MedGen C0027672, MeSH D009386, MONDO:0015356.

Allele frequency attached by ClinVar (database versions not stated): ExAC 0.00001; gnomAD 0.00001; TOPMed 0.00001; ESP Exome Variant Server 0.00008.
gnomAD v4.1: 1 of 1,613,856 alleles (0.000062%); highest among the groups gnomAD compares: Non-Finnish European, 0.000085%; no homozygotes.

Submission:

Labcorp Genetics (formerly Invitae), Labcorp
Classification: Uncertain significance for Hereditary cancer-predisposing syndrome. Last evaluated: 2017-08-09. Review status: criteria provided, single submitter. Criteria: Invitae Variant Classification Sherloc (09022015). Collection method: clinical testing. Allele origin: germline.
Comment: In summary, the available evidence is currently insufficient to determine the role of this variant in disease. Therefore, it has been classified as a Variant of Uncertain Significance. Algorithms developed to predict the effect of missense changes on protein structure and function do not agree on the potential impact of this missense change (SIFT: "Deleterious"; PolyPhen-2: "Probably Damaging"; Align-GVGD: "Class C0"). This variant has not been reported in the literature in individuals with RAD50-related disease. This variant is present in population databases (rs371727074, ExAC 0.002%). This sequence change replaces serine with asparagine at codon 128 of the RAD50 protein (p.Ser128Asn). The serine residue is highly conserved and there is a small physicochemical difference between serine and asparagine.

NM_005732.4(RAD50):c.383G>A (p.Ser128Asn)

Gene: RAD50 (RAD50 double strand break repair protein; plus strand). Cytogenetic location: 5q31.1.
Variant type: single nucleotide variant.
Coding change: c.383G>A on transcript NM_005732.4 (MANE Select); coding-DNA position 383, G replaced by A.
Protein change: p.Ser128Asn; replaces serine 128 with asparagine.
Molecular consequence: missense variant.
Genome position (GRCh38, 1-based): chr5:132,579,334, G>A. VCF-style: chr5-132579334-G-A. GRCh37 (hg19) VCF-style: chr5-131915026-G-A.
Other names: short protein forms S128N.
Identifiers: ClinVar variation 527337 (VCV000527337.9), dbSNP rs371727074, ClinGen allele CA3404979.